The following is an entry in ClinVar:

ClinVar aggregate classification (germline): Uncertain significance (1 of 4 stars; one submission).

gnomAD v4.1: 1 of 1,613,808 alleles (0.000062%); highest among the groups gnomAD compares: Non-Finnish European, 0.000085%; no homozygotes.

Submission:

Labcorp Genetics (formerly Invitae), Labcorp
Classification: Uncertain significance. Last evaluated: 2022-01-17. Review status: criteria provided, single submitter. Criteria: Invitae Variant Classification Sherloc (09022015). Collection method: clinical testing. Allele origin: germline.
Comment: This variant is present in population databases (no rsID available, gnomAD 0.0009%). This variant has not been reported in the literature in individuals affected with C3-related conditions. Algorithms developed to predict the effect of missense changes on protein structure and function (SIFT, PolyPhen-2, Align-GVGD) all suggest that this variant is likely to be tolerated. In summary, the available evidence is currently insufficient to determine the role of this variant in disease. Therefore, it has been classified as a Variant of Uncertain Significance. This sequence change replaces alanine, which is neutral and non-polar, with valine, which is neutral and non-polar, at codon 1380 of the C3 protein (p.Ala1380Val).

NM_000064.4(C3):c.4139C>T (p.Ala1380Val)

Gene: C3 (complement C3; minus strand). Cytogenetic location: 19p13.3.
Variant type: single nucleotide variant.
Coding change: c.4139C>T on transcript NM_000064.4 (MANE Select); coding-DNA position 4139, C replaced by T.
Protein change: p.Ala1380Val; replaces alanine 1380 with valine.
Molecular consequence: missense variant.
Genome position (GRCh38, 1-based): chr19:6,684,421, G>A on the plus strand (C>T on the coding strand, the complement: C3 is on the minus strand). VCF-style: chr19-6684421-G-A. GRCh37 (hg19) VCF-style: chr19-6684432-G-A.
Other names: short protein forms A1380V.
Identifiers: ClinVar variation 2087270 (VCV002087270.4), dbSNP rs1276818404, ClinGen allele CA403616672.
Genomic context (GRCh38, chr19:6,684,421, plus strand): 5'-ATGAACCCCGGTGACCTAGCTTCTTACCTGGTACAGATCTCAAGGATCATAGTGTTCTTG[G>A]CATCCTGAGGCCTCTTTTCTAGAAACACAGAAGAGAGAAAGATGGGAGAGGGTATACCTG-3'
Protein context (NP_000055.2, residues 1370-1390): APETEKRPQD[Ala1380Val]KNTMILEICT